The following is an entry in ClinVar:

NM_000211.5(ITGB2):c.161C>T (p.Pro54Leu)

Gene: ITGB2 (integrin subunit beta 2; minus strand). Cytogenetic location: 21q22.3.
Variant type: single nucleotide variant.
Coding change: c.161C>T on transcript NM_000211.5 (MANE Select); coding-DNA position 161, C replaced by T.
Protein change: p.Pro54Leu; replaces proline 54 with leucine.
Molecular consequence: missense variant. On other transcripts: 5 prime UTR variant (1).
Genome position (GRCh38, 1-based): chr21:44,907,082, G>A on the plus strand (C>T on the coding strand, the complement: ITGB2 is on the minus strand). VCF-style: chr21-44907082-G-A. GRCh37 (hg19) VCF-style: chr21-46326997-G-A.
Other names: c.161C>T, p.Pro54Leu (NM_001127491.3); c.-47C>T (NM_001303238.2); short protein forms P54L.
Identifiers: ClinVar variation 3364772 (VCV003364772.3).

ClinVar aggregate classification (germline): Uncertain significance. Review status: criteria provided, multiple submitters, no conflicts (2 of 4 stars). 3 submissions from 3 submitters: Uncertain significance (3). Last evaluated 2025-11-12.

Conditions:
Inborn genetic diseases. Identifiers: MedGen C0950123, MeSH D030342.

gnomAD v4.1: 42 of 1,602,794 alleles (0.0026%); highest among the groups gnomAD compares: East Asian, 0.0067%; no homozygotes.

Submissions (3):

Ambry Genetics
Classification: Uncertain significance for Inborn genetic diseases. Last evaluated: 2025-11-12. Review status: criteria provided, single submitter. Criteria: Ambry Variant Classification Scheme 2023. Collection method: clinical testing. Allele origin: germline.

Blueprint Genetics
Classification: Uncertain significance. Last evaluated: 2024-09-06. Review status: criteria provided, single submitter. Criteria: ACMG Guidelines, 2015. Collection method: clinical testing. Allele origin: germline.

GeneDx
Classification: Uncertain significance. Last evaluated: 2023-11-24. Review status: criteria provided, single submitter. Criteria: GeneDx Variant Classification Process June 2021. Collection method: clinical testing. Allele origin: germline. Affected: yes.
Comment: Not observed at significant frequency in large population cohorts (gnomAD); In silico analysis supports that this missense variant has a deleterious effect on protein structure/function; Has not been previously published as pathogenic or benign to our knowledge